The following is an entry in ClinVar:

ClinVar aggregate classification (germline): Uncertain significance (1 of 4 stars; one submission).

Conditions:
Charcot-Marie-Tooth disease axonal type 2O. Also called: Charcot-Marie-Tooth Neuropathy Type 2O; Charcot-Marie-Tooth disease, axonal, type 20; CHARCOT-MARIE-TOOTH NEUROPATHY, AXONAL, TYPE 2O; CHARCOT-MARIE-TOOTH DISEASE, AXONAL, AUTOSOMAL DOMINANT, TYPE 2O. Identifiers: Orphanet 284232, MedGen C3280220, MONDO:0013644, OMIM 614228.

Allele frequency attached by ClinVar (database versions not stated): gnomAD 0.00001; TOPMed 0.00001.
gnomAD v4.1: 1 of 1,613,928 alleles (0.000062%); highest among the groups gnomAD compares: Non-Finnish European, 0.000085%; no homozygotes.

Submission:

Labcorp Genetics (formerly Invitae), Labcorp
Classification: Uncertain significance for Charcot-Marie-Tooth disease axonal type 2O. Last evaluated: 2024-03-13. Review status: criteria provided, single submitter. Criteria: Invitae Variant Classification Sherloc (09022015). Collection method: clinical testing. Allele origin: germline.
Comment: This sequence change replaces alanine, which is neutral and non-polar, with threonine, which is neutral and polar, at codon 4501 of the DYNC1H1 protein (p.Ala4501Thr). This variant is not present in population databases (gnomAD no frequency). This variant has not been reported in the literature in individuals affected with DYNC1H1-related conditions. ClinVar contains an entry for this variant (Variation ID: 1446442). Advanced modeling of protein sequence and biophysical properties (such as structural, functional, and spatial information, amino acid conservation, physicochemical variation, residue mobility, and thermodynamic stability) performed at Invitae indicates that this missense variant is not expected to disrupt DYNC1H1 protein function with a negative predictive value of 95%. In summary, the available evidence is currently insufficient to determine the role of this variant in disease. Therefore, it has been classified as a Variant of Uncertain Significance.

NM_001376.5(DYNC1H1):c.13501G>A (p.Ala4501Thr)

Gene: DYNC1H1 (dynein cytoplasmic 1 heavy chain 1; plus strand). Cytogenetic location: 14q32.31.
Variant type: single nucleotide variant.
Coding change: c.13501G>A on transcript NM_001376.5 (MANE Select); coding-DNA position 13501, G replaced by A.
Protein change: p.Ala4501Thr; replaces alanine 4501 with threonine.
Molecular consequence: missense variant.
Genome position (GRCh38, 1-based): chr14:102,049,568, G>A. VCF-style: chr14-102049568-G-A. GRCh37 (hg19) VCF-style: chr14-102515905-G-A.
Other names: short protein forms A4501T.
Identifiers: ClinVar variation 1446442 (VCV001446442.8), dbSNP rs1341526440, ClinGen allele CA391049598.
Genomic context (GRCh38, chr14:102,049,568, plus strand): 5'-GACTTCAGCGAGAGGATCAAACAGCTGCAGAACATCTCACTGGCAGCTGCATCTGGTGGC[G>A]CCAAGGAGCTAAAGGTGAAGGCGCTCCTGACGAGTCTCGGGTGGTCAGCAGCTGTCCTGG-3'
Protein context (NP_001367.2, residues 4491-4511): NISLAAASGG[Ala4501Thr]KELKNIHVCL